The following is an entry in ClinVar:

ClinVar aggregate classification (germline): Uncertain significance (1 of 4 stars; one submission).

Conditions:
Hereditary cancer-predisposing syndrome. Also called: Neoplastic Syndromes, Hereditary; Tumor predisposition; Hereditary neoplastic syndrome; Hereditary Cancer Syndrome. Identifiers: Orphanet 140162, MedGen C0027672, MeSH D009386, MONDO:0015356.

Submission:

Ambry Genetics
Classification: Uncertain significance for Hereditary cancer-predisposing syndrome. Last evaluated: 2026-07-24. Review status: criteria provided, single submitter. Criteria: Ambry Variant Classification Scheme 2023. Collection method: clinical testing. Allele origin: germline.
Comment: The p.V455L variant (also known as c.1363G>T), located in coding exon 14 of the MUTYH gene, results from a G to T substitution at nucleotide position 1363. The valine at codon 455 is replaced by leucine, an amino acid with highly similar properties. This amino acid position is highly conserved in available vertebrate species. In addition, this alteration is predicted to be deleterious by in silico analysis. Based on the available evidence, the clinical significance of this variant remains unclear.

NM_001048174.2(MUTYH):c.1279G>T (p.Val427Leu)

Gene: MUTYH (mutY DNA glycosylase; minus strand). Cytogenetic location: 1p34.1.
Variant type: single nucleotide variant.
Coding change: c.1279G>T on transcript NM_001048174.2 (MANE Select); coding-DNA position 1279, G replaced by T.
Protein change: p.Val427Leu; replaces valine 427 with leucine.
Molecular consequence: missense variant. On other transcripts: non-coding transcript variant (7).
Genome position (GRCh38, 1-based): chr1:45,331,295, C>A on the plus strand (G>T on the coding strand, the complement: MUTYH is on the minus strand). VCF-style: chr1-45331295-C-A. GRCh37 (hg19) VCF-style: chr1-45796967-C-A.
Other names: c.1363G>T, p.Val455Leu (NM_001128425.2); c.1324G>T, p.Val442Leu (NM_001293190.2); c.1312G>T, p.Val438Leu (NM_001293191.2, NM_001407069.1, NM_001407077.1); c.1003G>T, p.Val335Leu (NM_001293192.2, NM_001293196.2, NM_001407091.1); c.1279G>T, p.Val427Leu (NM_001293195.2, NM_001407081.1, NM_001407088.1 and 6 more transcripts); c.934G>T, p.Val312Leu (NM_001350650.2, NM_001350651.2, NM_001407082.1); c.1237G>T, p.Val413Leu (NM_001407080.1); c.1321G>T, p.Val441Leu (NM_001407083.1, NM_001407085.1); and 5 more; short protein forms V335L, V399L, V413L, V414L, V442L, V312L, V427L, V441L.
Identifiers: ClinVar variation 5024981 (VCV005024981.1).